The following is an entry in ClinVar:

ClinVar aggregate classification (germline): Likely benign (1 of 4 stars; one submission).

Allele frequency attached by ClinVar (database versions not stated): gnomAD 0.00001; TOPMed 0.00002.

Submission:

CeGaT Center for Human Genetics Tuebingen
Classification: Likely benign. Last evaluated: 2022-06-01. Review status: criteria provided, single submitter. Criteria: CeGaT Center For Human Genetics Tuebingen Variant Classification Criteria Version 2. Collection method: clinical testing. Allele origin: germline. Affected: yes. Observed: 2 variant alleles.
Comment: MUC19: BP4, BP7

NM_173600.2(MUC19):c.24297C>T (p.Val8099=)

Gene: MUC19 (mucin 19, oligomeric (gene/pseudogene); plus strand). Cytogenetic location: 12q12.
Variant type: single nucleotide variant.
Coding change: c.24297C>T on transcript NM_173600.2; coding-DNA position 24297, C replaced by T.
Protein change: p.Val8099=; no amino-acid change (valine 8099 retained).
Molecular consequence: synonymous variant.
Genome position (GRCh38, 1-based): chr12:40,561,005, C>T. VCF-style: chr12-40561005-C-T. GRCh37 (hg19) VCF-style: chr12-40954807-C-T.
Identifiers: ClinVar variation 2642887 (VCV002642887.24), dbSNP rs1351613880, ClinGen allele CA604514778.